The following is an entry in ClinVar:

ClinVar aggregate classification (germline): Likely benign (0 of 4 stars; one submission).

Conditions:
ATP2B3-related disorder. Also called: ATP2B3-related condition.

Allele frequency attached by ClinVar (database versions not stated): ExAC 0.00007; gnomAD 0.00011; TOPMed 0.00011; gnomAD exomes 0.00040.
gnomAD v4.1: 448 of 1,209,408 alleles (0.037%); highest among the groups gnomAD compares: Non-Finnish European, 0.049%; no homozygotes.

Submission:

PreventionGenetics, part of Exact Sciences
Classification: Likely benign for ATP2B3-related condition. Last evaluated: 2019-06-12. Review status: no assertion criteria provided. Collection method: clinical testing. Allele origin: germline.
Comment: This variant is classified as likely benign based on ACMG/AMP sequence variant interpretation guidelines (Richards et al. 2015 PMID: 25741868, with internal and published modifications).

NM_001001344.3(ATP2B3):c.3342+4610T>C

Gene: ATP2B3 (ATPase plasma membrane Ca2+ transporting 3; plus strand). Cytogenetic location: Xq28.
Variant type: single nucleotide variant.
Coding change: c.3342+4610T>C on transcript NM_001001344.3 (MANE Select); 4610 bases into the intron after coding-DNA position 3342, T replaced by C.
Molecular consequence: intron variant. On other transcripts: synonymous variant (3).
Genome position (GRCh38, 1-based): chrX:153,569,713, T>C. VCF-style: chrX-153569713-T-C. GRCh37 (hg19) VCF-style: chrX-152835171-T-C.
Other names: c.3453T>C, p.Thr1151= (NM_001388360.1, NM_021949.4); c.3411T>C, p.Thr1137= (NM_001410708.1); c.3342+4610T>C (NM_001388361.1).
Identifiers: ClinVar variation 3041668 (VCV003041668.2), dbSNP rs782616045, ClinGen allele CA10548208.